The following is an entry in ClinVar:

ClinVar aggregate classification (germline): Conflicting classifications of pathogenicity. Review status: criteria provided, conflicting classifications (1 of 4 stars). 3 submissions from 3 submitters: Pathogenic (2); Uncertain significance (1). Last evaluated 2025-03-12.

Conditions:
Marfan syndrome (MFS). Also called: Marfan syndrome, classic; FBN1-Related Marfan Syndrome; Marfan syndrome type 1; Marfan's syndrome; MARFAN SYNDROME, TYPE I. Identifiers: Orphanet 284963, Orphanet 558, MedGen C0024796, MONDO:0007947, OMIM 154700.
Familial thoracic aortic aneurysm and aortic dissection (TAAD). Also called: Thoracic aortic aneurysms and dissections. Identifiers: Orphanet 91387, MedGen C4707243, MONDO:0019625.

Submissions (3):

Labcorp Genetics (formerly Invitae), Labcorp
Classification: Pathogenic for Marfan syndrome; Familial thoracic aortic aneurysm and aortic dissection. Last evaluated: 2025-03-12. Review status: criteria provided, single submitter. Criteria: Invitae Variant Classification Sherloc (09022015). Collection method: clinical testing. Allele origin: germline.
Comment: This sequence change replaces glycine, which is neutral and non-polar, with aspartic acid, which is acidic and polar, at codon 1838 of the FBN1 protein (p.Gly1838Asp). This variant is not present in population databases (gnomAD no frequency). This missense change has been observed in individuals with Marfan syndrome (internal data). It has also been observed to segregate with disease in related individuals. ClinVar contains an entry for this variant (Variation ID: 200065). Invitae Evidence Modeling of protein sequence and biophysical properties (such as structural, functional, and spatial information, amino acid conservation, physicochemical variation, residue mobility, and thermodynamic stability) indicates that this missense variant is expected to disrupt FBN1 protein function with a positive predictive value of 95%. This variant disrupts the p.Gly1838 amino acid residue in FBN1. Other variant(s) that disrupt this residue have been observed in individuals with FBN1-related conditions (internal data), which suggests that this may be a clinically significant amino acid residue. For these reasons, this variant has been classified as Pathogenic.

Revvity Omics, Revvity
Classification: Uncertain significance. Last evaluated: 2024-03-15. Review status: criteria provided, single submitter. Criteria: ACMG Guidelines, 2015. Collection method: clinical testing. Allele origin: germline.

GeneDx
Classification: Pathogenic. Last evaluated: 2014-05-07. Review status: criteria provided, single submitter. Criteria: GeneDx Variant Classification (06012015). Collection method: clinical testing. Allele origin: germline. Affected: yes.
Comment: p.Gly1838Asp (GGC>GAC): c.5513 G>A in exon 45 of the FBN1 gene (NM_000138.4)While the G1838D mutation in the FBN1 gene has not been reported to our knowledge, a mutation affecting this same residue, G1838C, has been reported in association with Marfan syndrome (Ganesh A et al., 2006). Additionally, mutations in nearby residues (C1835F, C1835Y, P1837S, C1847W, C1847R) have been reported in association with Marfan syndrome, further supporting the functional importance of this residue and this region of the protein. G1838D results in a non-conservative amino acid substitution, which is likely to impact secondary protein structure as these residues differ in polarity, charge, size and/or other properties. This substitution occurs at a position that is conserved across species. In silico analysis predicts this mutation is damaging to the protein structure/function. Furthermore, G1838D was not observed in approximately 6,500 individuals of European and African American ancestry in the NHLBI Exome Sequencing Project, indicating it is not a common benign variant in these populations.In summary, G1838D in the FBN1 gene is interpreted as a likely disease-causing mutation. The variant is found in TAAD panel(s).

NM_000138.5(FBN1):c.5513G>A (p.Gly1838Asp)

Gene: FBN1 (fibrillin 1; minus strand). Cytogenetic location: 15q21.1.
Variant type: single nucleotide variant.
Coding change: c.5513G>A on transcript NM_000138.5 (MANE Select); coding-DNA position 5513, G replaced by A.
Protein change: p.Gly1838Asp; replaces glycine 1838 with aspartic acid.
Molecular consequence: missense variant.
Genome position (GRCh38, 1-based): chr15:48,452,594, C>T on the plus strand (G>A on the coding strand, the complement: FBN1 is on the minus strand). VCF-style: chr15-48452594-C-T. GRCh37 (hg19) VCF-style: chr15-48744791-C-T.
Other names: p.G1838D:GGC>GAC; short protein forms G1838D.
Identifiers: ClinVar variation 200065 (VCV000200065.14), dbSNP rs78970689, ClinGen allele CA015860.